The following is an entry in ClinVar:

NM_000090.4(COL3A1):c.2752G>A (p.Gly918Arg)

Gene: COL3A1 (collagen type III alpha 1 chain; plus strand). Cytogenetic location: 2q32.2.
Variant type: single nucleotide variant.
Coding change: c.2752G>A on transcript NM_000090.4 (MANE Select); coding-DNA position 2752, G replaced by A.
Protein change: p.Gly918Arg; replaces glycine 918 with arginine.
Molecular consequence: missense variant.
Genome position (GRCh38, 1-based): chr2:189,004,072, G>A. VCF-style: chr2-189004072-G-A. GRCh37 (hg19) VCF-style: chr2-189868798-G-A.
Other names: short protein forms G918R.
Identifiers: ClinVar variation 427009 (VCV000427009.2), dbSNP rs1085307896, ClinGen allele CA349844050.
Genomic context (GRCh38, chr2:189,004,072, plus strand): 5'-TCTCCAGGCAAGGATGGGCCCCCAGGTCCTGCGGGTAACACTGGTGCTCCTGGCAGCCCT[G>A]GAGTGTCTGGACCAAAAGGTGATGCTGGCCAACCAGGAGAGAAGGGATCGCCTGGTGCCC-3'
Protein context (NP_000081.2, residues 908-928): AGNTGAPGSP[Gly918Arg]VSGPKGDAGQ

ClinVar aggregate classification (germline): Likely pathogenic. Review status: criteria provided, multiple submitters, no conflicts (2 of 4 stars). 2 submissions from 2 submitters: Likely pathogenic (2). Last evaluated 2016-11-01.

Conditions:
Ehlers-Danlos syndrome, type 4 (EDSVASC). Also called: Ehlers-Danlos Syndrome Type IV; Ehlers-Danlos syndrome vascular type; Ehlers Danlos syndrome, ecchymotic type; Ehlers Danlos syndrome, arterial type; Ehlers Danlos syndrome, Sack-Barabas type. Identifiers: Orphanet 286, MedGen C0268338, MONDO:0017314, OMIM 130050.

Submissions (2):

Center for Human Genetics, Inc
Classification: Likely pathogenic for Ehlers-Danlos syndrome, type 4. Last evaluated: 2016-11-01. Review status: criteria provided, single submitter. Criteria: ACMG Guidelines, 2015. Collection method: clinical testing. Allele origin: germline. Affected: yes.

GeneDx
Classification: Likely pathogenic. Last evaluated: 2016-03-16. Review status: criteria provided, single submitter. Criteria: GeneDx Variant Classification (06012015). Collection method: clinical testing. Allele origin: germline. Affected: yes.
Comment: The G918R variant has not been reported as a pathogenic variant or as a benign variant to our knowledge. The G918R was not observed in approximately 6,500 individuals of European and African American ancestry in the NHLBI Exome Sequencing Project, indicating it is not a common benign variant in these populations. This variant results in a non-conservative amino acid substitution, which is likely to impact secondary protein structure as these residues differ in polarity, charge, size and/or other properties. This substitution occurs at a position that is conserved across species, and in silico analysis predicts G918R is damaging to the protein structure/function. Furthermore, a missense variant affecting the same residue (G918E) and in nearby residues (G912A, G912D, G924C, G924S) have been reported in HGMD in association with EDS type IV (Stenson et al., 2014; Pepin M et al., 2000). Finally, the G918R variant affects a Glycine residue in a Gly-X-Y motif in the triple helical region of the COL3A1 gene, where the majority of missense pathogenic variants occur (Stenson et al., 2014; Symoens et al., 2012).Therefore, this variant is a strong candidate for a pathogenic variant, however the possibility that it is a benign variant cannot be excluded.